The following is an entry in ClinVar:

NM_139027.6(ADAMTS13):c.3442dup (p.Asp1148fs)

Gene: ADAMTS13 (ADAM metallopeptidase with thrombospondin type 1 motif 13; plus strand). Cytogenetic location: 9q34.2.
Variant type: Duplication.
Coding change: c.3442dup on transcript NM_139027.6 (MANE Select); coding-DNA position 3442, one base duplicated (G; older notation c.3442dupG).
Protein change: p.Asp1148fs; shifts the reading frame from aspartic acid 1148.
Molecular consequence: frameshift variant. On other transcripts: non-coding transcript variant (1).
Genome position (GRCh38, 1-based): chr9:133,456,110, G duplicated. VCF-style (leftmost placement, unchanged base first): chr9-133456109-T-TG. GRCh37 (hg19) VCF-style: chr9-136321231-T-TG.
Other names: c.3610dup, p.Asp1204fs (NM_139025.5); c.3349dup, p.Asp1117fs (NM_139026.6); short protein forms D1117fs, D1148fs, D1204fs.
Identifiers: ClinVar variation 4718221 (VCV004718221.1).

ClinVar aggregate classification (germline): Pathogenic (1 of 4 stars; one submission).

Submission:

Labcorp Genetics (formerly Invitae), Labcorp
Classification: Pathogenic. Last evaluated: 2025-04-23. Review status: criteria provided, single submitter. Criteria: Invitae Variant Classification Sherloc (09022015). Collection method: clinical testing. Allele origin: germline.
Comment: This sequence change creates a premature translational stop signal (p.Asp1204Glyfs*28) in the ADAMTS13 gene. It is expected to result in an absent or disrupted protein product. Loss-of-function variants in ADAMTS13 are known to be pathogenic (PMID: 11586351, 12753286, 21781265). This variant is not present in population databases (gnomAD no frequency). This variant has not been reported in the literature in individuals affected with ADAMTS13-related conditions. For these reasons, this variant has been classified as Pathogenic.

Literature cited by the submitters: PubMed 11586351; PubMed 12753286; PubMed 21781265.